The following is an entry in ClinVar:

ClinVar aggregate classification (germline): Pathogenic (1 of 4 stars; one submission).

Conditions:
Neurofibromatosis, type 1 (NF1). Also called: VON RECKLINGHAUSEN DISEASE; Peripheral type neurofibromatosis; NEUROFIBROMATOSIS, TYPE I, SOMATIC; Neurofibromatosis, type I. Identifiers: Orphanet 636, MedGen C0027831, MONDO:0018975, OMIM 162200. Disease mechanism: loss of function.

Submission:

Labcorp Genetics (formerly Invitae), Labcorp
Classification: Pathogenic for Neurofibromatosis, type 1. Last evaluated: 2024-07-30. Review status: criteria provided, single submitter. Criteria: Invitae Variant Classification Sherloc (09022015). Collection method: clinical testing. Allele origin: germline.
Comment: This sequence change creates a premature translational stop signal (p.Val65*) in the NF1 gene. It is expected to result in an absent or disrupted protein product. Loss-of-function variants in NF1 are known to be pathogenic (PMID: 10712197, 23913538). This variant is not present in population databases (gnomAD no frequency). This variant has not been reported in the literature in individuals affected with NF1-related conditions. ClinVar contains an entry for this variant (Variation ID: 1071937). For these reasons, this variant has been classified as Pathogenic.

Literature cited by the submitters: PubMed 10712197; PubMed 23913538.

NM_001042492.3(NF1):c.192_193insTAA (p.Val65Ter)

Gene: NF1 (neurofibromin 1; plus strand). Cytogenetic location: 17q11.2.
Variant type: Insertion.
Coding change: c.192_193insTAA on transcript NM_001042492.3 (MANE Select); coding-DNA positions 192 to 193, TAA inserted.
Protein change: p.Val65Ter; replaces valine 65 with a stop codon.
Molecular consequence: nonsense.
Genome position: GRCh38 VCF-style: chr17-31156114-T-TTAA. GRCh37 (hg19) VCF-style: chr17-29483132-T-TTAA.
Other names: c.192_193insTAA, p.Val65_Ala399delinsTer (NM_000267.4); c.192_193insTAA, p.Val65Ter (NM_001128147.3); short protein forms V65*.
Identifiers: ClinVar variation 1071937 (VCV001071937.5), dbSNP rs2143627506, ClinGen allele CA2499223972.